The following is an entry in ClinVar:

NM_001276270.2(MBD4):c.940_942del (p.Glu314del)

Gene: MBD4 (methyl-CpG binding domain 4, DNA glycosylase; minus strand). Cytogenetic location: 3q21.3.
Variant type: Deletion.
Coding change: c.940_942del on transcript NM_001276270.2 (MANE Select); coding-DNA positions 940 to 942, 3 bases deleted (GAA; older notation c.940_942delGAA).
Protein change: p.Glu314del; deletes glutamic acid 314.
Molecular consequence: inframe deletion. On other transcripts: intron variant (1).
Genome position (GRCh38, 1-based): chr3:129,436,702-129,436,704, TTC deleted on the plus strand (GAA on the coding strand, the reverse complement: MBD4 is on the minus strand); deleting any 3 consecutive bases within chr3:129,436,702-129,436,706 gives the same sequence; the c. name uses the placement nearest the transcript's 3' end. VCF-style (leftmost placement, unchanged base first): chr3-129436701-TTTC-T. GRCh37 (hg19) VCF-style: chr3-129155544-TTTC-T.
Other names: c.940_942del, p.Glu314del (NM_001276271.2, NM_001276272.2, NM_003925.3); c.247+1104_247+1106del (NM_001276273.2); short protein forms E314del.
Identifiers: ClinVar variation 4721530 (VCV004721530.1).

ClinVar aggregate classification (germline): Uncertain significance (1 of 4 stars; one submission).

Submission:

Labcorp Genetics (formerly Invitae), Labcorp
Classification: Uncertain significance. Last evaluated: 2025-10-03. Review status: criteria provided, single submitter. Criteria: Invitae Variant Classification Sherloc (09022015). Collection method: clinical testing. Allele origin: germline.
Comment: This variant, c.940_942del, results in the deletion of 1 amino acid(s) of the MBD4 protein (p.Glu314del), but otherwise preserves the integrity of the reading frame. This variant is not present in population databases (gnomAD no frequency). This variant has not been reported in the literature in individuals affected with MBD4-related conditions. Experimental studies and prediction algorithms are not available or were not evaluated, and the functional significance of this variant is currently unknown. In summary, the available evidence is currently insufficient to determine the role of this variant in disease. Therefore, it has been classified as a Variant of Uncertain Significance.